The following is an entry in ClinVar:

NM_001868.4(CPA1):c.718C>G (p.Arg240Gly)

Gene: CPA1 (carboxypeptidase A1; plus strand). Cytogenetic location: 7q32.2.
Variant type: single nucleotide variant.
Coding change: c.718C>G on transcript NM_001868.4 (MANE Select); coding-DNA position 718, C replaced by G.
Protein change: p.Arg240Gly; replaces arginine 240 with glycine.
Molecular consequence: missense variant.
Genome position (GRCh38, 1-based): chr7:130,384,557, C>G. VCF-style: chr7-130384557-C-G. GRCh37 (hg19) VCF-style: chr7-130024398-C-G.
Other names: short protein forms R240G.
Identifiers: ClinVar variation 1757580 (VCV001757580.3), dbSNP rs200036285, ClinGen allele CA369282925.

ClinVar aggregate classification (germline): Uncertain significance (1 of 4 stars; one submission).

Conditions:
Hereditary pancreatitis (PCTT). Also called: Hereditary chronic pancreatitis; PRSS1-Related Hereditary Pancreatitis. Identifiers: Orphanet 676, MedGen C0238339, MONDO:0008185, OMIM 167800.

Allele frequency attached by ClinVar (database versions not stated): gnomAD 0.00001.
gnomAD v4.1: 3 of 1,614,108 alleles (0.00019%); highest among the groups gnomAD compares: African/African-American, 0.0027%; no homozygotes.

Submission:

Ambry Genetics
Classification: Uncertain significance for Hereditary pancreatitis. Last evaluated: 2024-06-06. Review status: criteria provided, single submitter. Criteria: Ambry Variant Classification Scheme 2023. Collection method: clinical testing. Allele origin: germline.
Comment: The p.R240G variant (also known as c.718C>G), located in coding exon 7 of the CPA1 gene, results from a C to G substitution at nucleotide position 718. The arginine at codon 240 is replaced by glycine, an amino acid with dissimilar properties. This amino acid position is conserved. In addition, this alteration is predicted to be deleterious by in silico analysis. Since supporting evidence is limited at this time, the clinical significance of this alteration remains unclear.